The following is an entry in ClinVar:

ClinVar aggregate classification (germline): Uncertain significance (1 of 4 stars; one submission).

Conditions:
Cardiovascular phenotype. Identifiers: MedGen CN230736.

Submission:

Ambry Genetics
Classification: Uncertain significance for Cardiovascular phenotype. Last evaluated: 2026-05-24. Review status: criteria provided, single submitter. Criteria: Ambry Variant Classification Scheme 2023. Collection method: clinical testing. Allele origin: germline.
Comment: The p.T383A variant (also known as c.1147A>G), located in coding exon 9 of the ENG gene, results from an A to G substitution at nucleotide position 1147. The threonine at codon 383 is replaced by alanine, an amino acid with similar properties. This amino acid position is conserved. In addition, this alteration is predicted to be tolerated by in silico analysis. Based on the available evidence, the clinical significance of this variant remains unclear.

NM_001114753.3(ENG):c.1147A>G (p.Thr383Ala)

Genes: ENG (endoglin; minus strand), LOC102723566 (uncharacterized LOC102723566; plus strand). Cytogenetic location: 9q34.11.
Variant type: single nucleotide variant.
Coding change: c.1147A>G on transcript NM_001114753.3 (MANE Select); coding-DNA position 1147, A replaced by G.
Protein change: p.Thr383Ala; replaces threonine 383 with alanine.
Molecular consequence: missense variant.
Genome position (GRCh38, 1-based): chr9:127,820,025, T>C on the plus strand (A>G on the coding strand, the complement: ENG is on the minus strand). VCF-style: chr9-127820025-T-C. GRCh37 (hg19) VCF-style: chr9-130582304-T-C.
Other names: c.1147A>G, p.Thr383Ala (NM_000118.4); c.601A>G, p.Thr201Ala (NM_001278138.2); short protein forms T201A, T383A.
Identifiers: ClinVar variation 4870409 (VCV004870409.1).